The following is an entry in ClinVar:

ClinVar aggregate classification (germline): Conflicting classifications of pathogenicity. Review status: criteria provided, conflicting classifications (1 of 4 stars). 5 submissions from 4 submitters: Uncertain significance (1); Benign (4). Last evaluated 2026-02-02.

Conditions:
Joubert syndrome 24 (JBTS24). Identifiers: Orphanet 475, MedGen C4084841, MONDO:0014724, OMIM 616654.
Meckel-Gruber syndrome. Also called: Dysencephalia splachnocystica; DYSENCEPHALIA SPLANCHNOCYSTICA; GRUBER SYNDROME. Identifiers: Orphanet 564, MedGen C0265215, MONDO:0018921.
Joubert syndrome. Also called: CEREBELLOPARENCHYMAL DISORDER IV; JOUBERT-BOLTSHAUSER SYNDROME; Familial aplasia of the vermis. Identifiers: Orphanet 475, MedGen C5979921, MONDO:0018772.
Meckel syndrome, type 8. Identifiers: Orphanet 564, MedGen C3836857, MONDO:0013482, OMIM 613885.

Allele frequency attached by ClinVar (database versions not stated): 1000 Genomes Project 0.00599; 1000 Genomes Project 30x 0.00609; TOPMed 0.01320; gnomAD 0.01379 and 0.01410; gnomAD exomes 0.01413; ExAC 0.01430; ESP Exome Variant Server 0.01484.
gnomAD v4.1: 28,378 of 1,608,546 alleles (1.8%); highest among the groups gnomAD compares: Non-Finnish European, 2.1%; 307 homozygotes.

Submissions (5):

Labcorp Genetics (formerly Invitae), Labcorp
Classification: Benign for Joubert syndrome; Meckel-Gruber syndrome. Last evaluated: 2026-02-02. Review status: criteria provided, single submitter. Criteria: Invitae Variant Classification Sherloc (09022015). Collection method: clinical testing. Allele origin: germline.

Illumina Laboratory Services, Illumina
Classification: Uncertain significance for Meckel syndrome, type 8. Last evaluated: 2018-01-12. Review status: criteria provided, single submitter. Criteria: ICSL Variant Classification Criteria 13 December 2019. Collection method: clinical testing. Allele origin: germline.

Illumina Laboratory Services, Illumina
Classification: Benign for Joubert syndrome 24. Last evaluated: 2018-01-12. Review status: criteria provided, single submitter. Criteria: ICSL Variant Classification Criteria 13 December 2019. Collection method: clinical testing. Allele origin: germline.
Comment: This variant was observed in the ICSL laboratory as part of a predisposition screen in an ostensibly healthy population. It had not been previously curated by ICSL or reported in the Human Gene Mutation Database (HGMD: prior to June 1st, 2018), and was therefore a candidate for classification through an automated scoring system. Utilizing variant allele frequency, disease prevalence and penetrance estimates, and inheritance mode, an automated score was calculated to assess if this variant is too frequent to cause the disease. Based on the score and internal cut-off values, a variant classified as benign is not then subjected to further curation. The score for this variant resulted in a classification of benign for this disease.

GeneDx
Classification: Benign. Last evaluated: 2016-08-31. Review status: criteria provided, single submitter. Criteria: GeneDx Variant Classification (06012015). Collection method: clinical testing. Allele origin: germline. Affected: yes.
Comment: This variant is considered likely benign or benign based on one or more of the following criteria: it is a conservative change, it occurs at a poorly conserved position in the protein, it is predicted to be benign by multiple in silico algorithms, and/or has population frequency not consistent with disease.

PreventionGenetics, part of Exact Sciences
Classification: Benign. Review status: criteria provided, single submitter. Criteria: ACMG Guidelines, 2015. Collection method: clinical testing. Allele origin: germline.

NM_024809.5(TCTN2):c.1612+12C>T

Gene: TCTN2 (tectonic family member 2; plus strand). Cytogenetic location: 12q24.31.
Variant type: single nucleotide variant.
Coding change: c.1612+12C>T on transcript NM_024809.5 (MANE Select); 12 bases into the intron after coding-DNA position 1612, C replaced by T.
Molecular consequence: intron variant.
Genome position (GRCh38, 1-based): chr12:123,699,822, C>T. VCF-style: chr12-123699822-C-T. GRCh37 (hg19) VCF-style: chr12-124184369-C-T.
Other names: c.1609+12C>T (NM_001143850.3).
Identifiers: ClinVar variation 261787 (VCV000261787.15), dbSNP rs117614122, ClinGen allele CA6861272.